The following is an entry in ClinVar:

NM_021072.4(HCN1):c.2063C>T (p.Pro688Leu)

Gene: HCN1 (hyperpolarization activated cyclic nucleotide gated potassium channel 1; minus strand). Cytogenetic location: 5p12.
Variant type: single nucleotide variant.
Coding change: c.2063C>T on transcript NM_021072.4 (MANE Select); coding-DNA position 2063, C replaced by T.
Protein change: p.Pro688Leu; replaces proline 688 with leucine.
Molecular consequence: missense variant.
Genome position (GRCh38, 1-based): chr5:45,262,531, G>A on the plus strand (C>T on the coding strand, the complement: HCN1 is on the minus strand). VCF-style: chr5-45262531-G-A. GRCh37 (hg19) VCF-style: chr5-45262633-G-A.
Other names: short protein forms P688L.
Identifiers: ClinVar variation 2112447 (VCV002112447.4), dbSNP rs2111839566, ClinGen allele CA359704128.

ClinVar aggregate classification (germline): Uncertain significance (1 of 4 stars; one submission).

Conditions:
Early-infantile DEE. Also called: Early infantile epileptic encephalopathy; Ohtahara syndrome; Early infantile epileptic encephalopathy with suppression bursts. Identifiers: Orphanet 1934, MedGen C0393706, MONDO:0800491.

gnomAD v4.1: 1 of 1,613,870 alleles (0.000062%); highest among the groups gnomAD compares: African/African-American, 0.0013%; no homozygotes.

Submission:

Labcorp Genetics (formerly Invitae), Labcorp
Classification: Uncertain significance for Early-infantile DEE. Last evaluated: 2022-03-15. Review status: criteria provided, single submitter. Criteria: Invitae Variant Classification Sherloc (09022015). Collection method: clinical testing. Allele origin: germline.
Comment: In summary, the available evidence is currently insufficient to determine the role of this variant in disease. Therefore, it has been classified as a Variant of Uncertain Significance. Advanced modeling of protein sequence and biophysical properties (such as structural, functional, and spatial information, amino acid conservation, physicochemical variation, residue mobility, and thermodynamic stability) performed at Invitae indicates that this missense variant is not expected to disrupt HCN1 protein function. This variant has not been reported in the literature in individuals affected with HCN1-related conditions. This variant is not present in population databases (gnomAD no frequency). This sequence change replaces proline, which is neutral and non-polar, with leucine, which is neutral and non-polar, at codon 688 of the HCN1 protein (p.Pro688Leu).